The following is an entry in ClinVar:

ClinVar aggregate classification (germline): Uncertain significance (1 of 4 stars; one submission).

Conditions:
POLD1-related polyposis and colorectal cancer syndrome (CRCS10). Also called: Colorectal cancer 10; COLORECTAL CANCER, SUSCEPTIBILITY TO, ON CHROMOSOME 19q; Colorectal cancer, susceptibility to, 10. Identifiers: Orphanet 220460, MedGen C2675481, MONDO:0012953, OMIM 612591.

Submission:

Labcorp Genetics (formerly Invitae), Labcorp
Classification: Uncertain significance for POLD1-related polyposis and colorectal cancer syndrome. Last evaluated: 2025-03-17. Review status: criteria provided, single submitter. Criteria: Invitae Variant Classification Sherloc (09022015). Collection method: clinical testing. Allele origin: germline.
Comment: This sequence change replaces leucine, which is neutral and non-polar, with proline, which is neutral and non-polar, at codon 87 of the POLD1 protein (p.Leu87Pro). This variant is not present in population databases (gnomAD no frequency). This variant has not been reported in the literature in individuals affected with POLD1-related conditions. ClinVar contains an entry for this variant (Variation ID: 565326). Invitae Evidence Modeling of protein sequence and biophysical properties (such as structural, functional, and spatial information, amino acid conservation, physicochemical variation, residue mobility, and thermodynamic stability) indicates that this missense variant is not expected to disrupt POLD1 protein function with a negative predictive value of 80%. In summary, the available evidence is currently insufficient to determine the role of this variant in disease. Therefore, it has been classified as a Variant of Uncertain Significance.

NM_002691.4(POLD1):c.260T>C (p.Leu87Pro)

Gene: POLD1 (DNA polymerase delta 1, catalytic subunit; plus strand). Cytogenetic location: 19q13.33.
Variant type: single nucleotide variant.
Coding change: c.260T>C on transcript NM_002691.4 (MANE Select); coding-DNA position 260, T replaced by C.
Protein change: p.Leu87Pro; replaces leucine 87 with proline.
Molecular consequence: missense variant. On other transcripts: non-coding transcript variant (1).
Genome position (GRCh38, 1-based): chr19:50,399,428, T>C. VCF-style: chr19-50399428-T-C. GRCh37 (hg19) VCF-style: chr19-50902685-T-C.
Other names: c.260T>C, p.Leu87Pro (NM_001256849.1, NM_001308632.1); short protein forms L87P.
Identifiers: ClinVar variation 565326 (VCV000565326.8), dbSNP rs1568615664, ClinGen allele CA406970501.